The following is an entry in ClinVar:

ClinVar aggregate classification (germline): Uncertain significance. Review status: criteria provided, multiple submitters, no conflicts (2 of 4 stars). 2 submissions from 2 submitters: Uncertain significance (2). Last evaluated 2025-08-17.

Conditions:
Tuberous sclerosis 1 (TSC1). Identifiers: Orphanet 805, MedGen C1854465, MONDO:0008612, OMIM 191100.
Hereditary cancer-predisposing syndrome. Also called: Neoplastic Syndromes, Hereditary; Hereditary Cancer Syndrome; Hereditary neoplastic syndrome; Tumor predisposition. Identifiers: Orphanet 140162, MedGen C0027672, MeSH D009386, MONDO:0015356.

Submissions (2):

Labcorp Genetics (formerly Invitae), Labcorp
Classification: Uncertain significance for Tuberous sclerosis 1. Last evaluated: 2025-08-17. Review status: criteria provided, single submitter. Criteria: Invitae Variant Classification Sherloc (09022015). Collection method: clinical testing. Allele origin: germline.
Comment: This sequence change replaces lysine, which is basic and polar, with arginine, which is basic and polar, at codon 869 of the TSC1 protein (p.Lys869Arg). This variant is not present in population databases (gnomAD no frequency). This variant has not been reported in the literature in individuals affected with TSC1-related conditions. ClinVar contains an entry for this variant (Variation ID: 642018). Invitae Evidence Modeling of protein sequence and biophysical properties (such as structural, functional, and spatial information, amino acid conservation, physicochemical variation, residue mobility, and thermodynamic stability) indicates that this missense variant is not expected to disrupt TSC1 protein function with a negative predictive value of 95%. In summary, the available evidence is currently insufficient to determine the role of this variant in disease. Therefore, it has been classified as a Variant of Uncertain Significance.

Ambry Genetics
Classification: Uncertain significance for Hereditary cancer-predisposing syndrome. Last evaluated: 2024-09-15. Review status: criteria provided, single submitter. Criteria: Ambry Variant Classification Scheme 2023. Collection method: clinical testing. Allele origin: germline.
Comment: The p.K869R variant (also known as c.2606A>G), located in coding exon 18 of the TSC1 gene, results from an A to G substitution at nucleotide position 2606. The lysine at codon 869 is replaced by arginine, an amino acid with highly similar properties. This amino acid position is conserved. In addition, this alteration is predicted to be tolerated by in silico analysis. Based on the available evidence, the clinical significance of this variant remains unclear.

NM_000368.5(TSC1):c.2606A>G (p.Lys869Arg)

Gene: TSC1 (TSC complex subunit 1; minus strand). Cytogenetic location: 9q34.13.
Variant type: single nucleotide variant.
Coding change: c.2606A>G on transcript NM_000368.5 (MANE Select); coding-DNA position 2606, A replaced by G.
Protein change: p.Lys869Arg; replaces lysine 869 with arginine.
Molecular consequence: missense variant.
Genome position (GRCh38, 1-based): chr9:132,900,734, T>C on the plus strand (A>G on the coding strand, the complement: TSC1 is on the minus strand). VCF-style: chr9-132900734-T-C. GRCh37 (hg19) VCF-style: chr9-135776121-T-C.
Other names: c.2603A>G, p.Lys868Arg (NM_001162426.2); c.2453A>G, p.Lys818Arg (NM_001162427.2); c.2243A>G, p.Lys748Arg (NM_001362177.2); short protein forms K748R, K818R, K868R, K869R.
Identifiers: ClinVar variation 642018 (VCV000642018.9), dbSNP rs1588297197, ClinGen allele CA375369898.